The following is an entry in ClinVar:

ClinVar aggregate classification (germline): Uncertain significance. Review status: criteria provided, multiple submitters, no conflicts (2 of 4 stars). 2 submissions from 2 submitters: Uncertain significance (2). Last evaluated 2025-08-07.

Conditions:
Inborn genetic diseases. Identifiers: MedGen C0950123, MeSH D030342.
Multiple congenital exostosis (EXT). Also called: Hereditary multiple osteochondromas; MULTIPLE CARTILAGINOUS EXOSTOSES; Multiple exostoses; Hereditary multiple exostoses; Hereditary multiple exostosis; Multiple osteochondromas. Identifiers: Orphanet 321, MedGen C0015306, MONDO:0005508, HP:0002762.

Allele frequency attached by ClinVar (database versions not stated): gnomAD exomes below 0.00001.
gnomAD v4.1: 1 of 1,614,150 alleles (0.000062%); highest among the groups gnomAD compares: East Asian, 0.0022%; no homozygotes.

Submissions (2):

Ambry Genetics
Classification: Uncertain significance for Inborn genetic diseases. Last evaluated: 2025-08-07. Review status: criteria provided, single submitter. Criteria: Ambry Variant Classification Scheme 2023. Collection method: clinical testing. Allele origin: germline.

Labcorp Genetics (formerly Invitae), Labcorp
Classification: Uncertain significance for Multiple congenital exostosis. Last evaluated: 2020-12-04. Review status: criteria provided, single submitter. Criteria: Invitae Variant Classification Sherloc (09022015). Collection method: clinical testing. Allele origin: germline.
Comment: This sequence change replaces phenylalanine with leucine at codon 193 of the EXT1 protein (p.Phe193Leu). The phenylalanine residue is highly conserved and there is a small physicochemical difference between phenylalanine and leucine. This variant is not present in population databases (ExAC no frequency). This variant has not been reported in the literature in individuals with EXT1-related conditions. Algorithms developed to predict the effect of missense changes on protein structure and function are either unavailable or do not agree on the potential impact of this missense change (SIFT: "Deleterious"; PolyPhen-2: "Probably Damaging"; Align-GVGD: "Class C0"). In summary, the available evidence is currently insufficient to determine the role of this variant in disease. Therefore, it has been classified as a Variant of Uncertain Significance.

NM_000127.3(EXT1):c.579T>A (p.Phe193Leu)

Gene: EXT1 (exostosin glycosyltransferase 1; minus strand). Cytogenetic location: 8q24.11.
Variant type: single nucleotide variant.
Coding change: c.579T>A on transcript NM_000127.3 (MANE Select); coding-DNA position 579, T replaced by A.
Protein change: p.Phe193Leu; replaces phenylalanine 193 with leucine.
Molecular consequence: missense variant.
Genome position (GRCh38, 1-based): chr8:118,110,468, A>T on the plus strand (T>A on the coding strand, the complement: EXT1 is on the minus strand). VCF-style: chr8-118110468-A-T. GRCh37 (hg19) VCF-style: chr8-119122707-A-T.
Other names: c.579T>A (NM_000127.2); short protein forms F193L.
Identifiers: ClinVar variation 1370600 (VCV001370600.9), dbSNP rs2130042837, ClinGen allele CA371915526.
Genomic context (GRCh38, chr8:118,110,468, plus strand): 5'-CTGGCCGATGTCAAACCCCACGTCCTCGGTGTAGTCAGGCCAAGTGCCGGAATATAAATT[A>T]AAAATTAAATGATTCCTACCATTGTTCCACAAGTGGAGACTCTGCACTTTGGATCTCAAA-3'
Protein context (NP_000118.2, residues 183-203): LWNNGRNHLI[Phe193Leu]NLYSGTWPDY